The following is an entry in ClinVar:

ClinVar aggregate classification (germline): Uncertain significance (1 of 4 stars; one submission).

Submission:

GeneDx
Classification: Uncertain significance. Last evaluated: 2025-04-25. Review status: criteria provided, single submitter. Criteria: GeneDx Variant Classification Process June 2021. Collection method: clinical testing. Allele origin: germline. Affected: yes.
Comment: Not observed at significant frequency in large population cohorts (gnomAD); In silico analysis supports that this missense variant has a deleterious effect on protein structure/function; Has not been previously published as pathogenic or benign to our knowledge

NM_017934.7(PHIP):c.3332A>G (p.Asp1111Gly)

Genes: IRAK1BP1 (interleukin 1 receptor associated kinase 1 binding protein 1; plus strand), PHIP (PHIP subunit of CUL4-Ring ligase complex; minus strand). Cytogenetic location: 6q14.1.
Variant type: single nucleotide variant.
Coding change: c.3332A>G on transcript NM_017934.7 (MANE Select); coding-DNA position 3332, A replaced by G.
Protein change: p.Asp1111Gly; replaces aspartic acid 1111 with glycine.
Molecular consequence: missense variant.
Genome position (GRCh38, 1-based): chr6:78,965,750, T>C on the plus strand (A>G on the coding strand, the complement: PHIP is on the minus strand). VCF-style: chr6-78965750-T-C. GRCh37 (hg19) VCF-style: chr6-79675467-T-C.
Other names: short protein forms D1111G.
Identifiers: ClinVar variation 4527429 (VCV004527429.1).